The following is an entry in ClinVar:

ClinVar aggregate classification (germline): Uncertain significance (1 of 4 stars; one submission).

Conditions:
Metachromatic leukodystrophy (MLD). Also called: Arylsulfatase A Deficiency; SULFATIDE LIPIDOSIS; ARSA DEFICIENCY; CEREBROSIDE SULFATASE DEFICIENCY; METACHROMATIC LEUKOENCEPHALOPATHY; Cerebral sclerosis diffuse metachromatic form. Identifiers: Orphanet 512, MedGen C0023522, MONDO:0018868, OMIM 250100.

Allele frequency attached by ClinVar (database versions not stated): gnomAD exomes below 0.00001; TOPMed below 0.00001.

Submission:

Labcorp Genetics (formerly Invitae), Labcorp
Classification: Uncertain significance for Metachromatic leukodystrophy. Last evaluated: 2022-03-04. Review status: criteria provided, single submitter. Criteria: Invitae Variant Classification Sherloc (09022015). Collection method: clinical testing. Allele origin: germline.
Comment: This sequence change affects codon 482 of the ARSA mRNA. It is a 'silent' change, meaning that it does not change the encoded amino acid sequence of the ARSA protein. This variant is present in population databases (no rsID available, gnomAD 0.003%). This variant has not been reported in the literature in individuals affected with ARSA-related conditions. Algorithms developed to predict the effect of sequence changes on RNA splicing suggest that this variant may create or strengthen a splice site. In summary, the available evidence is currently insufficient to determine the role of this variant in disease. Therefore, it has been classified as a Variant of Uncertain Significance.

NM_000487.6(ARSA):c.1446C>T (p.Gly482=)

Gene: ARSA (arylsulfatase A; minus strand). Cytogenetic location: 22q13.33.
Variant type: single nucleotide variant.
Coding change: c.1446C>T on transcript NM_000487.6 (MANE Select); coding-DNA position 1446, C replaced by T.
Protein change: p.Gly482=; no amino-acid change (glycine 482 retained).
Molecular consequence: synonymous variant.
Genome position (GRCh38, 1-based): chr22:50,625,229, G>A on the plus strand (C>T on the coding strand, the complement: ARSA is on the minus strand). VCF-style: chr22-50625229-G-A. GRCh37 (hg19) VCF-style: chr22-51063657-G-A.
Other names: c.1446C>T, p.Gly482= (NM_001085425.3, NM_001085426.3, NM_001085427.3); c.1188C>T, p.Gly396= (NM_001085428.3, NM_001362782.2).
Identifiers: ClinVar variation 1500530 (VCV001500530.5), dbSNP rs759357711, ClinGen allele CA325531179.
Genomic context (GRCh38, chr22:50,625,229, plus strand): 5'-GCAGCAAGCTGGGCGGGGGGTGCAGCCAGGATGACAGCAGATCTGCAGGGCGGGGTCCTC[G>A]CCCCGGGCCACCTGGCTGGGGCCGAAGGTCACAGCTGCGTCTAACTGGGCCTTGAGCAGC-3'
Protein context (NP_000478.3, residues 472-492): VTFGPSQVAR[Gly482=]EDPALQICCH